The following is an entry in ClinVar:

ClinVar aggregate classification (germline): Uncertain significance (1 of 4 stars; one submission).

Conditions:
Nephronophthisis 15 (NPHP15). Identifiers: Orphanet 3156, MedGen C3541853, MONDO:0013917, OMIM 614845.

Submission:

Labcorp Genetics (formerly Invitae), Labcorp
Classification: Uncertain significance for Nephronophthisis 15. Last evaluated: 2022-04-12. Review status: criteria provided, single submitter. Criteria: Invitae Variant Classification Sherloc (09022015). Collection method: clinical testing. Allele origin: germline.
Comment: This variant results in the deletion of exons 29-33 and part of exon 28 (c.3568_*2093del) of the CEP164 gene. While this deletion is not anticipated to lead to nonsense mediated decay, it is expected to alter mRNA translation or result in a truncated protein product. This variant has not been reported in the literature in individuals affected with CEP164-related conditions. In summary, the available evidence is currently insufficient to determine the role of this variant in disease. Therefore, it has been classified as a Variant of Uncertain Significance.

NC_000011.9:g.(?_117278705)_(117284975_?)del

Gene: CEP164 (centrosomal protein 164; plus strand). Cytogenetic location: 11q23.3.
Variant type: Deletion.
Identifiers: ClinVar variation 2426025 (VCV002426025.4).